The following is an entry in ClinVar:

NM_006268.5(DPF2):c.706G>T (p.Glu236Ter)

Gene: DPF2 (double PHD fingers 2; plus strand). Cytogenetic location: 11q13.1.
Variant type: single nucleotide variant.
Coding change: c.706G>T on transcript NM_006268.5 (MANE Select); coding-DNA position 706, G replaced by T.
Protein change: p.Glu236Ter; replaces glutamic acid 236 with a stop codon.
Molecular consequence: nonsense.
Genome position (GRCh38, 1-based): chr11:65,345,734, G>T. VCF-style: chr11-65345734-G-T. GRCh37 (hg19) VCF-style: chr11-65113205-G-T.
Other names: c.748G>T, p.Glu250Ter (NM_001330308.2); short protein forms E236*, E250*.
Identifiers: ClinVar variation 4850131 (VCV004850131.1).
Genomic context (GRCh38, chr11:65,345,734, plus strand): 5'-AAACGTTACAAGAACCGACCAGGCCTCAGTTACCACTATGCCCACTCCCACTTGGCTGAG[G>T]AGGAGGGCGAGGACAAGGAAGACTCTCAACCACCCACTCCTGTTTCCCAGAGGTCTGAGG-3'

ClinVar aggregate classification (germline): Likely pathogenic (1 of 4 stars; one submission).

Conditions:
Coffin-Siris syndrome 7. Identifiers: MedGen C4747954, MONDO:0054831, OMIM 618027.

Submission:

Variantyx, Inc.
Classification: Likely pathogenic for Coffin-Siris syndrome 7. Last evaluated: 2025-08-06. Review status: criteria provided, single submitter. Criteria: Variantyx Assertion Criteria 2022. Collection method: clinical testing. Allele origin: germline. Inheritance: Autosomal dominant inheritance. Affected: yes.
Comment: This is a nonsense variant in the DPF2 gene (OMIM: 601671). Pathogenic variants in this gene have been associated with autosomal dominant Coffin-Siris syndrome 7. This variant introduces a premature termination codon in exon 7 out of 11 and is expected to result in loss of function, which is a known disease mechanism for DPF2 in this disorder (PMID: 29429572) (PVS1). This variant is absent from control populations (PM2). Based on the current evidence, this variant is classified as likely pathogenic for autosomal dominant Coffin-Siris syndrome 7.

Literature cited by the submitters: PubMed 29429572.